The following is an entry in ClinVar:

ClinVar aggregate classification (germline): Uncertain significance (1 of 4 stars; one submission).

gnomAD v4.1: 5 of 1,551,232 alleles (0.00032%); highest among the groups gnomAD compares: African/African-American, 0.0014%; no homozygotes.

Submission:

Labcorp Genetics (formerly Invitae), Labcorp
Classification: Uncertain significance. Last evaluated: 2021-08-22. Review status: criteria provided, single submitter. Criteria: Invitae Variant Classification Sherloc (09022015). Collection method: clinical testing. Allele origin: germline.
Comment: This sequence change affects codon 160 of the CPLANE1 mRNA. It is a 'silent' change, meaning that it does not change the encoded amino acid sequence of the CPLANE1 protein. The frequency data for this variant in the population databases is considered unreliable, as metrics indicate poor data quality at this position in the ExAC database. This variant has not been reported in the literature in individuals affected with CPLANE1-related conditions. Algorithms developed to predict the effect of sequence changes on RNA splicing suggest that this variant may create or strengthen a splice site. In summary, the available evidence is currently insufficient to determine the role of this variant in disease. Therefore, it has been classified as a Variant of Uncertain Significance.

NM_001384732.1(CPLANE1):c.478C>A (p.Arg160=)

Gene: CPLANE1 (ciliogenesis and planar polarity effector complex subunit 1; minus strand). Cytogenetic location: 5p13.2.
Variant type: single nucleotide variant.
Coding change: c.478C>A on transcript NM_001384732.1 (MANE Select); coding-DNA position 478, C replaced by A.
Protein change: p.Arg160=; no amino-acid change (arginine 160 retained).
Molecular consequence: synonymous variant.
Genome position (GRCh38, 1-based): chr5:37,244,467, G>T on the plus strand (C>A on the coding strand, the complement: CPLANE1 is on the minus strand). VCF-style: chr5-37244467-G-T. GRCh37 (hg19) VCF-style: chr5-37244569-G-T.
Other names: c.478C>A, p.Arg160= (NM_023073.4).
Identifiers: ClinVar variation 1376913 (VCV001376913.3), dbSNP rs754258488, ClinGen allele CA3239184.